The following is an entry in ClinVar:

ClinVar aggregate classification (germline): Benign. Review status: criteria provided, single submitter (1 of 4 stars). 2 submissions from 2 submitters: Benign (1). 1 of the submissions does not count toward it. Last evaluated 2026-01-18.

Conditions:
Adams-Oliver syndrome 5 (AOS5). Identifiers: Orphanet 974, MedGen C4014970, MONDO:0014459, OMIM 616028.

Allele frequency attached by ClinVar (database versions not stated): TOPMed 0.00002; gnomAD 0.00003; ExAC 0.00005.
gnomAD v4.1: 52 of 1,610,464 alleles (0.0032%); highest among the groups gnomAD compares: South Asian, 0.0066%; no homozygotes.

Submissions (2):

Labcorp Genetics (formerly Invitae), Labcorp
Classification: Benign for Adams-Oliver syndrome 5. Last evaluated: 2026-01-18. Review status: criteria provided, single submitter. Criteria: Invitae Variant Classification Sherloc (09022015). Collection method: clinical testing. Allele origin: germline.

ITMI
No classification provided. Condition: AllHighlyPenetrant. Last evaluated: 2013-09-19. Review status: no classification provided. Collection method: reference population. Allele origin: germline. Not counted in ClinVar's aggregate classification.
Comment: Please see associated publication for description of ethnicities

Literature cited by the submitters: PubMed 24728327 (cited by ITMI).

NM_017617.5(NOTCH1):c.2635C>T (p.Arg879Trp)

Gene: NOTCH1 (notch receptor 1; minus strand). Cytogenetic location: 9q34.3.
Variant type: single nucleotide variant.
Coding change: c.2635C>T on transcript NM_017617.5 (MANE Select); coding-DNA position 2635, C replaced by T.
Protein change: p.Arg879Trp; replaces arginine 879 with tryptophan.
Molecular consequence: missense variant.
Genome position (GRCh38, 1-based): chr9:136,510,758, G>A on the plus strand (C>T on the coding strand, the complement: NOTCH1 is on the minus strand). VCF-style: chr9-136510758-G-A. GRCh37 (hg19) VCF-style: chr9-139405210-G-A.
Other names: c.2635C>T, p.Arg879Trp (LRG_1122t1); short protein forms R879W.
Identifiers: ClinVar variation 134920 (VCV000134920.9), dbSNP rs587778563, ClinGen allele CA161167.